The following is an entry in ClinVar:

NM_024334.3(TMEM43):c.1097C>T (p.Ala366Val)

Gene: TMEM43 (transmembrane protein 43; plus strand). Cytogenetic location: 3p25.1.
Variant type: single nucleotide variant.
Coding change: c.1097C>T on transcript NM_024334.3 (MANE Select); coding-DNA position 1097, C replaced by T.
Protein change: p.Ala366Val; replaces alanine 366 with valine.
Molecular consequence: missense variant.
Genome position (GRCh38, 1-based): chr3:14,141,689, C>T. VCF-style: chr3-14141689-C-T. GRCh37 (hg19) VCF-style: chr3-14183189-C-T.
Other names: c.1100C>T, p.Ala367Val (NM_001407274.1); c.1094C>T, p.Ala365Val (NM_001407275.1, NM_001407276.1); c.1091C>T, p.Ala364Val (NM_001407277.1); c.1082C>T, p.Ala361Val (NM_001407278.1); c.1022C>T, p.Ala341Val (NM_001407279.1); c.947C>T, p.Ala316Val (NM_001407280.1); short protein forms A366V, A316V, A361V, A364V, A365V, A341V, A367V.
Identifiers: ClinVar variation 1911204 (VCV001911204.6), dbSNP rs914027156, ClinGen allele CA69738171.
Genomic context (GRCh38, chr3:14,141,689, plus strand): 5'-TTGGCCTGAAAGCCTTTGCCTTCTGTGTGGCCACCTCGCTGACCCTGCTGACCGTGGCGG[C>T]TGGCTGGCTCTTCTACCGACCCCTGTGGGCCCTCCTCATTGCCGGCCTGGCCCTTGTGCC-3'
Protein context (NP_077310.1, residues 356-376): ATSLTLLTVA[Ala366Val]GWLFYRPLWA

ClinVar aggregate classification (germline): Conflicting classifications of pathogenicity. Review status: criteria provided, conflicting classifications (1 of 4 stars). 2 submissions from 2 submitters: Uncertain significance (1); Likely benign (1). Last evaluated 2025-03-03.

Conditions:
Cardiomyopathy (CMYO). Also called: Cardiomyopathies. Identifiers: Orphanet 167848, MedGen C0878544, MONDO:0004994, HP:0001638. Inheritance: Various modes of inheritance.
Arrhythmogenic right ventricular dysplasia 5. Also called: Arrhythmogenic Right Ventricular Dysplasia/Cardiomyopathy 5; ARRHYTHMOGENIC RIGHT VENTRICULAR DYSPLASIA, FAMILIAL, 5. Identifiers: MedGen C1858379, MONDO:0011459, OMIM 604400.

Allele frequency attached by ClinVar (database versions not stated): gnomAD exomes below 0.00001.
gnomAD v4.1: 1 of 1,614,216 alleles (0.000062%); highest among the groups gnomAD compares: Admixed American, 0.0017%; no homozygotes.

Submissions (2):

Color Diagnostics, LLC DBA Color Health
Classification: Likely benign for Cardiomyopathy. Last evaluated: 2025-03-03. Review status: criteria provided, single submitter. Criteria: ACMG Guidelines, 2015. Collection method: clinical testing. Allele origin: germline.

Labcorp Genetics (formerly Invitae), Labcorp
Classification: Uncertain significance for Arrhythmogenic right ventricular dysplasia 5. Last evaluated: 2023-12-18. Review status: criteria provided, single submitter. Criteria: Invitae Variant Classification Sherloc (09022015). Collection method: clinical testing. Allele origin: germline.
Comment: This sequence change replaces alanine, which is neutral and non-polar, with valine, which is neutral and non-polar, at codon 366 of the TMEM43 protein (p.Ala366Val). The frequency data for this variant in the population databases is considered unreliable, as metrics indicate poor data quality at this position in the gnomAD database. This variant has not been reported in the literature in individuals affected with TMEM43-related conditions. ClinVar contains an entry for this variant (Variation ID: 1911204). Advanced modeling of protein sequence and biophysical properties (such as structural, functional, and spatial information, amino acid conservation, physicochemical variation, residue mobility, and thermodynamic stability) performed at Invitae indicates that this missense variant is not expected to disrupt TMEM43 protein function with a negative predictive value of 80%. In summary, the available evidence is currently insufficient to determine the role of this variant in disease. Therefore, it has been classified as a Variant of Uncertain Significance.